The following is an entry in ClinVar:

NM_000238.4(KCNH2):c.2271G>C (p.Lys757Asn)

Gene: KCNH2 (potassium voltage-gated channel subfamily H member 2; minus strand). Cytogenetic location: 7q36.1.
Variant type: single nucleotide variant.
Coding change: c.2271G>C on transcript NM_000238.4 (MANE Select); coding-DNA position 2271, G replaced by C.
Protein change: p.Lys757Asn; replaces lysine 757 with asparagine.
Molecular consequence: missense variant.
Genome position (GRCh38, 1-based): chr7:150,950,295, C>G on the plus strand (G>C on the coding strand, the complement: KCNH2 is on the minus strand). VCF-style: chr7-150950295-C-G. GRCh37 (hg19) VCF-style: chr7-150647383-C-G.
Other names: c.2271G>C (LRG_288t1); c.1251G>C, p.Lys417Asn (NM_001204798.2, NM_172057.3); c.1983G>C, p.Lys661Asn (NM_001406753.1, NM_001406756.1); c.2094G>C, p.Lys698Asn (NM_001406755.1); c.1971G>C, p.Lys657Asn (NM_001406757.1); c.2271G>C, p.Lys757Asn (NM_172056.3); short protein forms K417N, K757N, K661N, K698N, K657N.
Identifiers: ClinVar variation 67382 (VCV000067382.4), dbSNP rs199472992, ClinGen allele CA006419.

ClinVar aggregate classification (germline): Uncertain significance. Review status: criteria provided, single submitter (1 of 4 stars). 2 submissions from 2 submitters: Uncertain significance (1). 1 of the submissions does not count toward it. Last evaluated 2025-08-13.

Conditions:
Familial long QT syndrome (RWS). Also called: Congenital long QT syndrome; Romano-Ward syndrome; VENTRICULAR FIBRILLATION WITH PROLONGED QT INTERVAL. Identifiers: Orphanet 768, MedGen C1141890, MONDO:0019171.
Long QT syndrome (LQTS). Identifiers: MedGen C0023976, MeSH D008133, MONDO:0002442. Disease mechanism: loss of function. Inheritance: Various modes of inheritance.

Submissions (2):

Labcorp Genetics (formerly Invitae), Labcorp
Classification: Uncertain significance for Long QT syndrome. Last evaluated: 2025-08-13. Review status: criteria provided, single submitter. Criteria: Invitae Variant Classification Sherloc (09022015). Collection method: clinical testing. Allele origin: germline.
Comment: This sequence change replaces lysine, which is basic and polar, with asparagine, which is neutral and polar, at codon 757 of the KCNH2 protein (p.Lys757Asn). This variant is not present in population databases (gnomAD no frequency). This missense change has been observed in individual(s) with long QT syndrome (PMID: 19716085, 22949429). ClinVar contains an entry for this variant (Variation ID: 67382). An algorithm developed to predict the effect of missense changes on protein structure and function (PolyPhen-2) suggests that this variant is likely to be disruptive. Experimental studies have shown that this missense change affects KCNH2 function (PMID: 25417810). In summary, the available evidence is currently insufficient to determine the role of this variant in disease. Therefore, it has been classified as a Variant of Uncertain Significance.

Cardiovascular Biomedical Research Unit, Royal Brompton & Harefield NHS Foundation Trust
No classification provided. Condition: Familial long QT syndrome. Review status: no classification provided. Collection method: literature only. Allele origin: germline. Not counted in ClinVar's aggregate classification.
Comment: This variant has been reported as associated with Long QT syndrome in the following publications (PMID:19716085;PMID:19841300). This is a literature report, and does not necessarily reflect the clinical interpretation of the Imperial College / Royal Brompton Cardiovascular Genetics laboratory.

Literature cited by the submitters: PubMed 19716085 (cited by Labcorp Genetics (formerly Invitae), Labcorp and Cardiovascular Biomedical Research Unit, Royal Brompton & Harefield NHS Foundation Trust); PubMed 22949429 (cited by Labcorp Genetics (formerly Invitae), Labcorp); PubMed 25417810 (cited by Labcorp Genetics (formerly Invitae), Labcorp); PubMed 19841300 (cited by Cardiovascular Biomedical Research Unit, Royal Brompton & Harefield NHS Foundation Trust); PubMed 22581653 (cited by Cardiovascular Biomedical Research Unit, Royal Brompton & Harefield NHS Foundation Trust).